The following is an entry in ClinVar:

NM_005918.4(MDH2):c.29G>C (p.Ser10Thr)

Gene: MDH2 (malate dehydrogenase 2; plus strand). Cytogenetic location: 7q11.23.
Variant type: single nucleotide variant.
Coding change: c.29G>C on transcript NM_005918.4 (MANE Select); coding-DNA position 29, G replaced by C.
Protein change: p.Ser10Thr; replaces serine 10 with threonine.
Molecular consequence: missense variant. On other transcripts: 5 prime UTR variant (1), non-coding transcript variant (1).
Genome position (GRCh38, 1-based): chr7:76,048,189, G>C. VCF-style: chr7-76048189-G-C. GRCh37 (hg19) VCF-style: chr7-75677507-G-C.
Other names: c.29G>C, p.Ser10Thr (NM_001282403.2); c.-124G>C (NM_001282404.2); short protein forms S10T.
Identifiers: ClinVar variation 2562839 (VCV002562839.3), dbSNP rs1554584462, ClinGen allele CA367760060.

ClinVar aggregate classification (germline): Uncertain significance. Review status: criteria provided, multiple submitters, no conflicts (2 of 4 stars). 2 submissions from 2 submitters: Uncertain significance (2). Last evaluated 2025-03-04.

Conditions:
Inborn genetic diseases. Identifiers: MedGen C0950123, MeSH D030342.

Submissions (2):

Center for Genomic Medicine, Rigshospitalet, Copenhagen University Hospital
Classification: Uncertain significance. Last evaluated: 2025-03-04. Review status: criteria provided, single submitter. Criteria: ACMG Guidelines, 2015. Collection method: clinical testing. Allele origin: germline.

Ambry Genetics
Classification: Uncertain significance for Inborn genetic diseases. Last evaluated: 2023-05-13. Review status: criteria provided, single submitter. Criteria: Ambry Variant Classification Scheme 2023. Collection method: clinical testing. Allele origin: germline.
Comment: The p.S10T variant (also known as c.29G>C), located in coding exon 1 of the MDH2 gene, results from a G to C substitution at nucleotide position 29. The serine at codon 10 is replaced by threonine, an amino acid with similar properties. This amino acid position is conserved. In addition, this alteration is predicted to be tolerated by in silico analysis. Since supporting evidence is limited at this time, the clinical significance of this alteration remains unclear.